The following is an entry in ClinVar:

NM_004341.5(CAD):c.820C>A (p.Arg274=)

Gene: CAD (carbamoyl-phosphate synthetase 2, aspartate transcarbamylase, and dihydroorotase; plus strand). Cytogenetic location: 2p23.3.
Variant type: single nucleotide variant.
Coding change: c.820C>A on transcript NM_004341.5 (MANE Select); coding-DNA position 820, C replaced by A.
Protein change: p.Arg274=; no amino-acid change (arginine 274 retained).
Molecular consequence: synonymous variant.
Genome position (GRCh38, 1-based): chr2:27,223,573, C>A. VCF-style: chr2-27223573-C-A. GRCh37 (hg19) VCF-style: chr2-27446441-C-A.
Other names: c.820C>A, p.Arg274= (NM_001306079.2); c.820C>A (NM_004341.4).
Identifiers: ClinVar variation 2789919 (VCV002789919.5), dbSNP rs759552111, ClinGen allele CA1572536.

ClinVar aggregate classification (germline): Likely benign. Review status: criteria provided, single submitter (1 of 4 stars). 2 submissions from 2 submitters: Likely benign (1). 1 of the submissions does not count toward it. Last evaluated 2025-08-11.

Conditions:
CAD-related disorder. Also called: CAD-related condition.

Allele frequency attached by ClinVar (database versions not stated): gnomAD 0.00001; ExAC 0.00001.
gnomAD v4.1: 6 of 1,612,484 alleles (0.00037%); highest among the groups gnomAD compares: Non-Finnish European, 0.00051%; no homozygotes.

Submissions (2):

Labcorp Genetics (formerly Invitae), Labcorp
Classification: Likely benign. Last evaluated: 2025-08-11. Review status: criteria provided, single submitter. Criteria: Invitae Variant Classification Sherloc (09022015). Collection method: clinical testing. Allele origin: germline.

PreventionGenetics, part of Exact Sciences
Classification: Likely benign for CAD-related condition. Last evaluated: 2019-06-28. Review status: no assertion criteria provided. Collection method: clinical testing. Allele origin: germline. Not counted in ClinVar's aggregate classification.
Comment: This variant is classified as likely benign based on ACMG/AMP sequence variant interpretation guidelines (Richards et al. 2015 PMID: 25741868, with internal and published modifications).